The following is an entry in ClinVar:

NM_007294.4(BRCA1):c.3225C>G (p.Asn1075Lys)

Genes: BRCA1 (BRCA1 DNA repair associated; minus strand), LOC126862571 (BRD4-independent group 4 enhancer GRCh37_chr17:41243136-41244335; plus strand). Cytogenetic location: 17q21.31.
Variant type: single nucleotide variant.
Coding change: c.3225C>G on transcript NM_007294.4 (MANE Select); coding-DNA position 3225, C replaced by G.
Protein change: p.Asn1075Lys; replaces asparagine 1075 with lysine.
Molecular consequence: missense variant. On other transcripts: intron variant (137).
Genome position (GRCh38, 1-based): chr17:43,092,306, G>C on the plus strand (C>G on the coding strand, the complement: BRCA1 is on the minus strand). VCF-style: chr17-43092306-G-C. GRCh37 (hg19) VCF-style: chr17-41244323-G-C.
Other names: c.3081C>G, p.Asn1027Lys (NM_001407838.1, NM_001407845.1, NM_001407839.1 and 20 more transcripts); c.788-1274C>G (NM_001407975.1, NM_001407971.1, NM_001407980.1 and 17 more transcripts); c.671-1274C>G (NM_001408422.1, NM_001408423.1, NM_001408420.1 and 2 more transcripts); c.578-1274C>G (NM_001408482.1, NM_001408481.1, NM_001408480.1 and 9 more transcripts); c.521-1274C>G (NM_001408504.1, NM_001408503.1, NM_001408505.1); c.644-1274C>G (NM_001408463.1, NM_001408465.1, NM_001408470.1 and 3 more transcripts); c.791-1283C>G (NM_001408406.1); c.647-1274C>G (NM_001408456.1, NM_001408458.1, NM_001408469.1 and 11 more transcripts); and 41 more; short protein forms N1075K, N1028K, N1005K, N1008K, N1049K, N1072K, N1074K, N779K.
Identifiers: ClinVar variation 441344 (VCV000441344.10), dbSNP rs778607600, ClinGen allele CA058052.

ClinVar aggregate classification (germline): Conflicting classifications of pathogenicity. Review status: criteria provided, conflicting classifications (1 of 4 stars). 4 submissions from 4 submitters: Uncertain significance (3); Likely benign (1). Last evaluated 2025-06-22.

Conditions:
Hereditary cancer-predisposing syndrome. Also called: Hereditary Cancer Syndrome; Hereditary neoplastic syndrome; Neoplastic Syndromes, Hereditary; Tumor predisposition. Identifiers: Orphanet 140162, MedGen C0027672, MeSH D009386, MONDO:0015356.
Hereditary breast ovarian cancer syndrome. Also called: Hereditary breast and ovarian cancer; Breast and ovarian cancer; Hereditary breast and ovarian cancer syndrome; Hereditary breast and/or ovarian cancer syndrome; BRCA1- and BRCA2-Associated Hereditary Breast and Ovarian Cancer; Hereditary breast and ovarian cancer syndrome (HBOC). Identifiers: Orphanet 145, MedGen C0677776, MeSH D061325, MONDO:0003582. Disease mechanism: loss of function.

Allele frequency attached by ClinVar (database versions not stated): ExAC 0.00001.

Submissions (4):

Labcorp Genetics (formerly Invitae), Labcorp
Classification: Uncertain significance for Hereditary breast ovarian cancer syndrome. Last evaluated: 2025-06-22. Review status: criteria provided, single submitter. Criteria: Invitae Variant Classification Sherloc (09022015). Collection method: clinical testing. Allele origin: germline.
Comment: This sequence change replaces asparagine, which is neutral and polar, with lysine, which is basic and polar, at codon 1075 of the BRCA1 protein (p.Asn1075Lys). This variant is not present in population databases (gnomAD no frequency). This variant has not been reported in the literature in individuals affected with BRCA1-related conditions. ClinVar contains an entry for this variant (Variation ID: 441344). Invitae Evidence Modeling of protein sequence and biophysical properties (such as structural, functional, and spatial information, amino acid conservation, physicochemical variation, residue mobility, and thermodynamic stability) indicates that this missense variant is not expected to disrupt BRCA1 protein function with a negative predictive value of 80%. In summary, the available evidence is currently insufficient to determine the role of this variant in disease. Therefore, it has been classified as a Variant of Uncertain Significance.

Quest Diagnostics Nichols Institute San Juan Capistrano
Classification: Uncertain significance. Last evaluated: 2024-07-25. Review status: criteria provided, single submitter. Criteria: Quest Diagnostics criteria. Collection method: clinical testing. Allele origin: unknown.
Comment: The BRCA1 c.3225C>G (p.Asn1075Lys) variant has been reported in the published literature to be located in a region of the BRCA1 gene that is tolerant to missense sequence changes (PMID: 31911673 (2020)). This variant has not been reported in large, multi-ethnic general populations (Genome Aggregation Database). Analysis of this variant using bioinformatics tools for the prediction of the effect of amino acid changes on protein structure and function yielded predictions that this variant is benign. Based on the available information, we are unable to determine the clinical significance of this variant.

University of Washington Department of Laboratory Medicine, University of Washington
Classification: Likely benign for Hereditary cancer-predisposing syndrome. Last evaluated: 2023-03-23. Review status: criteria provided, single submitter. Criteria: Dines et al. (Genet Med. 2020). Collection method: curation. Allele origin: germline.
Comment: Missense variant in a coldspot region where missense variants are very unlikely to be pathogenic (PMID:31911673).

BRCA1 coldspot (exon 11 using historical exon numbering). Reclassification based on statistical prior probability

Ambry Genetics
Classification: Uncertain significance for Hereditary cancer-predisposing syndrome. Last evaluated: 2016-06-30. Review status: criteria provided, single submitter. Criteria: Ambry Variant Classification Scheme 2023. Collection method: clinical testing. Allele origin: germline.
Comment: The p.N1075K variant (also known as c.3225C>G), located in coding exon 9 of the BRCA1 gene, results from a C to G substitution at nucleotide position 3225. The asparagine at codon 1075 is replaced by lysine, an amino acid with similar properties. This variant was not reported in population based cohorts in the following databases: Database of Single Nucleotide Polymorphisms (dbSNP), NHLBI Exome Sequencing Project (ESP), and 1000 Genomes Project. In the ESP, this variant was not observed in 6503 samples (13006 alleles) with coverage at this position. To date, this alteration has been detected with an allele frequency of approximately 0.0003% (greater than 300000 alleles tested) in our clinical cohort. This amino acid position is not well conserved in available vertebrate species. In addition, the in silico prediction for this alteration is inconclusive. Since supporting evidence is limited at this time, the clinical significance of this alteration remains unclear.

Literature cited by the submitters: PubMed 31911673 (cited by Quest Diagnostics Nichols Institute San Juan Capistrano).